The following is an entry in ClinVar:

NM_014946.4(SPAST):c.1493+6G>A

Gene: SPAST (spastin; plus strand). Cytogenetic location: 2p22.3.
Variant type: single nucleotide variant.
Coding change: c.1493+6G>A on transcript NM_014946.4 (MANE Select); 6 bases into the intron after coding-DNA position 1493, G replaced by A.
Molecular consequence: intron variant.
Genome position (GRCh38, 1-based): chr2:32,137,194, G>A. VCF-style: chr2-32137194-G-A. GRCh37 (hg19) VCF-style: chr2-32362263-G-A.
Other names: c.1397+6G>A (NM_199436.2, NM_001377959.1); c.1490+6G>A (NM_001363823.2); c.1394+6G>A (NM_001363875.2).
Identifiers: ClinVar variation 392111 (VCV000392111.16), dbSNP rs115659052, ClinGen allele CA1600904.

ClinVar aggregate classification (germline): Benign/Likely benign. Review status: criteria provided, multiple submitters, no conflicts (2 of 4 stars). 3 submissions from 3 submitters: Benign (1); Likely benign (2). Last evaluated 2025-11-09.

Conditions:
Hereditary spastic paraplegia 4. Also called: Spastic Paraplegia 4; Familial spastic paraplegia autosomal dominant 2; Spastic paraplegia 4, autosomal dominant. Identifiers: Orphanet 100985, MedGen C1866855, MONDO:0008438, OMIM 182601.

Allele frequency attached by ClinVar (database versions not stated): gnomAD exomes 0.00004 and 0.00010; ExAC 0.00013; 1000 Genomes Project 0.00020; 1000 Genomes Project 30x 0.00031; ESP Exome Variant Server 0.00038; gnomAD 0.00043 and 0.00046; TOPMed 0.00058.
gnomAD v4.1: 124 of 1,598,318 alleles (0.0078%); highest among the groups gnomAD compares: African/African-American, 0.16%; 1 homozygote.

Submissions (3):

Labcorp Genetics (formerly Invitae), Labcorp
Classification: Likely benign for Hereditary spastic paraplegia 4. Last evaluated: 2025-11-09. Review status: criteria provided, single submitter. Criteria: Invitae Variant Classification Sherloc (09022015). Collection method: clinical testing. Allele origin: germline.

GeneDx
Classification: Likely benign. Last evaluated: 2021-06-11. Review status: criteria provided, single submitter. Criteria: GeneDx Variant Classification Process June 2021. Collection method: clinical testing. Allele origin: germline. Affected: yes.

Illumina Laboratory Services, Illumina
Classification: Benign for Hereditary spastic paraplegia 4. Last evaluated: 2018-01-13. Review status: criteria provided, single submitter. Criteria: ICSL Variant Classification Criteria 13 December 2019. Collection method: clinical testing. Allele origin: germline.
Comment: This variant was observed in the ICSL laboratory as part of a predisposition screen in an ostensibly healthy population. It had not been previously curated by ICSL or reported in the Human Gene Mutation Database (HGMD: prior to June 1st, 2018), and was therefore a candidate for classification through an automated scoring system. Utilizing variant allele frequency, disease prevalence and penetrance estimates, and inheritance mode, an automated score was calculated to assess if this variant is too frequent to cause the disease. Based on the score and internal cut-off values, a variant classified as benign is not then subjected to further curation. The score for this variant resulted in a classification of benign for this disease.